The following is an entry in ClinVar:

NM_078480.3(PUF60):c.999_1002dup (p.Ala335fs)

Gene: PUF60 (poly(U) binding splicing factor 60; minus strand). Cytogenetic location: 8q24.3.
Variant type: Microsatellite.
Coding change: c.999_1002dup on transcript NM_078480.3 (MANE Select); coding-DNA positions 999 to 1002, 4 bases duplicated (CACA; older notation c.999_1002dupCACA).
Protein change: p.Ala335fs; shifts the reading frame from alanine 335.
Molecular consequence: frameshift variant.
Genome position (GRCh38, 1-based): chr8:143,817,598-143,817,601, TGTG duplicated on the plus strand (CACA on the coding strand, the reverse complement: PUF60 is on the minus strand). VCF-style (leftmost placement, unchanged base first): chr8-143817597-C-CTGTG. GRCh37 (hg19) VCF-style: chr8-144899767-C-CTGTG.
Other names: c.870_873dup, p.Ala292fs (NM_001136033.3); c.945_948dup, p.Ala317fs (NM_001271096.2); c.861_864dup, p.Ala289fs (NM_001271097.2); c.996_999dup, p.Ala334fs (NM_001271098.2); c.912_915dup, p.Ala306fs (NM_001271099.2); c.819_822dup, p.Ala275fs (NM_001271100.2); c.1110_1113dup, p.Ala372fs (NM_001362895.2, NM_001362896.2); c.1059_1062dup, p.Ala355fs (NM_001362897.2); and 1 more; short protein forms A275fs, A289fs, A292fs, A306fs, A317fs, A318fs, A334fs, A335fs.
Identifiers: ClinVar variation 4813847 (VCV004813847.1).

ClinVar aggregate classification (germline): Pathogenic (1 of 4 stars; one submission).

Conditions:
8q24.3 microdeletion syndrome. Also called: CHROMOSOME 8q24.3 DELETION SYNDROME; Verheij syndrome. Identifiers: Orphanet 508488, MedGen C3810023, MONDO:0014263, OMIM 615583.

Submission:

Variantyx, Inc.
Classification: Pathogenic for 8q24.3 microdeletion syndrome. Last evaluated: 2025-08-21. Review status: criteria provided, single submitter. Criteria: Variantyx Assertion Criteria 2022. Collection method: clinical testing. Allele origin: germline. Inheritance: Autosomal recessive inheritance. Affected: yes.
Comment: This is a frameshift variant in the PUF60 gene (OMIM: 604819). Pathogenic variants in this gene have been associated with autosomal dominant Verheij syndrome. This variant introduces a premature termination codon in exon 9 out of 12 and is expected to result in loss of function, which is a known disease mechanism for PUF60 in this disorder (PMID: 28990276, 30078240, 30352594, 33418956) (PVS1). This variant is absent from control populations (PM2) and has not been reported in individuals with PUF60-related disorders in the databases available for review. Based on the current evidence, this variant is classified as pathogenic for autosomal dominant Verheij syndrome.

Literature cited by the submitters: PubMed 28990276; PubMed 30078240; PubMed 30352594; PubMed 33418956.